The following is an entry in ClinVar:

ClinVar aggregate classification (germline): Likely pathogenic (1 of 4 stars; one submission).

Conditions:
Dilated cardiomyopathy 1G (CMD1G). Identifiers: Orphanet 154, MedGen C1858763, MONDO:0011400, OMIM 604145.
Autosomal recessive limb-girdle muscular dystrophy type 2J (LGMDR10). Also called: Limb-girdle muscular dystrophy, type 2J; MUSCULAR DYSTROPHY, LIMB-GIRDLE, AUTOSOMAL RECESSIVE 10. Identifiers: Orphanet 140922, MedGen C1837342, MONDO:0012127, OMIM 608807.

Submission:

Labcorp Genetics (formerly Invitae), Labcorp
Classification: Likely pathogenic for Dilated cardiomyopathy 1G; Autosomal recessive limb-girdle muscular dystrophy type 2J. Last evaluated: 2024-10-18. Review status: criteria provided, single submitter. Criteria: Invitae Variant Classification Sherloc (09022015). Collection method: clinical testing. Allele origin: germline.
Comment: This sequence change creates a premature translational stop signal (p.Tyr15549Valfs*39) in the TTN gene. While this is not anticipated to result in nonsense mediated decay, it is expected to create a truncated TTN protein. This variant is not present in population databases (gnomAD no frequency). This variant has not been reported in the literature in individuals affected with TTN-related conditions. ClinVar contains an entry for this variant (Variation ID: 2058179). This variant is located in the I band of TTN (PMID: 25589632). Truncating variants in this region have been reported in individuals affected with autosomal recessive centronuclear myopathy (PMID: 23975875, internal data). Truncating variants in this region have also been identified in individuals affected with autosomal dominant dilated cardiomyopathy and/or cardio-related conditions (PMID: 27869827, 32964742, internal data). In summary, the currently available evidence indicates that the variant is pathogenic, but additional data are needed to prove that conclusively. Therefore, this variant has been classified as Likely Pathogenic.

Literature cited by the submitters: PubMed 25589632; PubMed 23975875; PubMed 27869827; PubMed 32964742.

NM_001267550.2(TTN):c.46639_46643dup (p.Tyr15549fs)

Genes: TTN (titin; minus strand), TTN-AS1 (TTN antisense RNA 1; plus strand). Cytogenetic location: 2q31.2.
Variant type: Duplication.
Coding change: c.46639_46643dup on transcript NM_001267550.2 (MANE Select); coding-DNA positions 46639 to 46643, 5 bases duplicated (GGTGA; older notation c.46639_46643dupGGTGA).
Protein change: p.Tyr15549fs; shifts the reading frame from tyrosine 15549.
Molecular consequence: frameshift variant.
Genome position (GRCh38, 1-based): chr2:178,619,674-178,619,678, TCACC duplicated on the plus strand (GGTGA on the coding strand, the reverse complement: TTN is on the minus strand). VCF-style (leftmost placement, unchanged base first): chr2-178619673-T-TTCACC. GRCh37 (hg19) VCF-style: chr2-179484400-T-TTCACC.
Other names: c.41716_41720dup, p.Tyr13908fs (NM_001256850.1); c.19444_19448dup, p.Tyr6484fs (NM_003319.4); c.38935_38939dup, p.Tyr12981fs (NM_133378.4); c.19819_19823dup, p.Tyr6609fs (NM_133432.3); c.20020_20024dup, p.Tyr6676fs (NM_133437.4); short protein forms Y13908fs, Y12981fs, Y15549fs, Y6676fs, Y6484fs, Y6609fs.
Identifiers: ClinVar variation 2058179 (VCV002058179.4), dbSNP rs2470969678, ClinGen allele CA2580064977.
Genomic context (GRCh38, chr2:178,619,673, plus strand): 5'-GGACTGACCTGCCAGTTCAAGCTTAGCTCTGGCTTCTTTGTCTTTGGCAATAAATCTGTA[T>TTCACC]TCACCCTGGTCACGGGGCTTAATATCACAAATCTGTAGTCGATGTATCTTTCCTTCACTC-3'